The following is an entry in ClinVar:

NM_000051.4(ATM):c.3663G>T (p.Trp1221Cys)

Gene: ATM (ATM serine/threonine kinase; plus strand). Cytogenetic location: 11q22.3.
Variant type: single nucleotide variant.
Coding change: c.3663G>T on transcript NM_000051.4 (MANE Select); coding-DNA position 3663, G replaced by T.
Protein change: p.Trp1221Cys; replaces tryptophan 1221 with cysteine.
Molecular consequence: missense variant.
Genome position (GRCh38, 1-based): chr11:108,282,796, G>T. VCF-style: chr11-108282796-G-T. GRCh37 (hg19) VCF-style: chr11-108153523-G-T.
Other names: c.3663G>T, p.Trp1221Cys (NM_001351834.2); short protein forms W1221C.
Identifiers: ClinVar variation 861181 (VCV000861181.37), dbSNP rs864622490, ClinGen allele CA382523108.

ClinVar aggregate classification (germline): Uncertain significance. Review status: criteria provided, multiple submitters, no conflicts (2 of 4 stars). 2 submissions from 2 submitters: Uncertain significance (2). Last evaluated 2023-04-05.

Conditions:
Ataxia-telangiectasia syndrome (AT). Also called: Ataxia-telangiectasia; Ataxia-telangiectasia, complementation group D; AT, COMPLEMENTATION GROUP C; ATAXIA-TELANGIECTASIA, COMPLEMENTATION GROUP A; ATAXIA-TELANGIECTASIA, FRESNO VARIANT; Ataxia-telangiectasia, complementation group E. Identifiers: Orphanet 100, MedGen C0004135, MONDO:0008840, OMIM 208900.

Submissions (2):

Labcorp Genetics (formerly Invitae), Labcorp
Classification: Uncertain significance for Ataxia-telangiectasia syndrome. Last evaluated: 2023-04-05. Review status: criteria provided, single submitter. Criteria: Invitae Variant Classification Sherloc (09022015). Collection method: clinical testing. Allele origin: germline.
Comment: This sequence change replaces tryptophan, which is neutral and slightly polar, with cysteine, which is neutral and slightly polar, at codon 1221 of the ATM protein (p.Trp1221Cys). This variant is not present in population databases (gnomAD no frequency). This variant has not been reported in the literature in individuals affected with ATM-related conditions. ClinVar contains an entry for this variant (Variation ID: 861181). An algorithm developed to predict the effect of missense changes on protein structure and function (PolyPhen-2) suggests that this variant is likely to be disruptive. In summary, the available evidence is currently insufficient to determine the role of this variant in disease. Therefore, it has been classified as a Variant of Uncertain Significance.

CeGaT Center for Human Genetics Tuebingen
Classification: Uncertain significance. Last evaluated: 2023-02-01. Review status: criteria provided, single submitter. Criteria: CeGaT Center For Human Genetics Tuebingen Variant Classification Criteria Version 2. Collection method: clinical testing. Allele origin: germline. Affected: yes. Observed: 1 variant allele.
Comment: ATM: PM2